The following is an entry in ClinVar:

NM_002693.3(POLG):c.3483-4_3497del

Gene: POLG (DNA polymerase gamma, catalytic subunit; minus strand). Cytogenetic location: 15q26.1.
Variant type: Deletion.
Coding change: c.3483-4_3497del on transcript NM_002693.3 (MANE Select); 4 bases into the intron before coding-DNA position 3483 through coding-DNA position 3497, 19 bases deleted (TCAGGTGCATGTTTGCCTA).
Molecular consequence: splice acceptor variant.
Genome position (GRCh38, 1-based): chr15:89,317,522-89,317,540, TAGGCAAACATGCACCTGA deleted on the plus strand (TCAGGTGCATGTTTGCCTA on the coding strand, the reverse complement: POLG is on the minus strand). VCF-style (leftmost placement, unchanged base first): chr15-89317521-GTAGGCAAACATGCACCTGA-G. GRCh37 (hg19) VCF-style: chr15-89860752-GTAGGCAAACATGCACCTGA-G.
Other names: c.3483-4_3497del (NM_001126131.2); c.3483-4_3497del19 (NM_002693.2).
Identifiers: ClinVar variation 619313 (VCV000619313.15), dbSNP rs756325504, ClinGen allele CA7724109.

ClinVar aggregate classification (germline): Pathogenic/Likely pathogenic. Review status: criteria provided, multiple submitters, no conflicts (2 of 4 stars). 6 submissions from 6 submitters: Pathogenic (5); Likely pathogenic (1). Last evaluated 2025-07-17.

Conditions:
POLG-related disorder. Also called: POLG-Related Spectrum Disorders; POLG-related condition; POLG-Related Disorders. Identifiers: MedGen C4763519.
Inborn genetic diseases. Identifiers: MedGen C0950123, MeSH D030342.
Progressive sclerosing poliodystrophy (MTDPS4A). Also called: Alpers-Huttenlocher Syndrome (AHS); Alpers Syndrome; ALPERS PROGRESSIVE INFANTILE POLIODYSTROPHY; Mitochondrial DNA depletion syndrome 4A (Alpers type); ALPERS DIFFUSE DEGENERATION OF CEREBRAL GRAY MATTER WITH HEPATIC CIRRHOSIS; Alpers-Huttenlocher Syndrome. Identifiers: Orphanet 726, MedGen C0205710, MONDO:0008758, OMIM 203700.

Allele frequency attached by ClinVar (database versions not stated): gnomAD exomes below 0.00001 and 0.00004; TOPMed below 0.00001; ExAC 0.00001; gnomAD 0.00001.

Submissions (6):

GeneDx
Classification: Pathogenic. Last evaluated: 2025-07-17. Review status: criteria provided, single submitter. Criteria: GeneDx Variant Classification Process June 2021. Collection method: clinical testing. Allele origin: germline. Affected: yes.
Comment: Reported previously in a patient with ophthalmoplegia and ptosis; segregation information not available (PMID: 31521625); Canonical splice site variant predicted to result in a null allele in a gene for which loss of function is a known mechanism of disease; Not observed at significant frequency in large population cohorts (gnomAD); This variant is associated with the following publications: (PMID: 39415767, 31521625, 36065636)

Labcorp Genetics (formerly Invitae), Labcorp
Classification: Likely pathogenic for Progressive sclerosing poliodystrophy. Last evaluated: 2025-06-17. Review status: criteria provided, single submitter. Criteria: Invitae Variant Classification Sherloc (09022015). Collection method: clinical testing. Allele origin: germline.
Comment: This variant results in the deletion of part of exon 22 (c.3483-4_3497del) of the POLG gene. It is expected to disrupt RNA splicing. Variants that disrupt the donor or acceptor splice site typically lead to a loss of protein function (PMID: 16199547), and loss-of-function variants in POLG are known to be pathogenic (PMID: 18546365). This variant is present in population databases (rs756325504, gnomAD 0.0009%). This variant has been observed in individual(s) with chronic progressive external ophthalmoplegia and/or personal history of stroke (PMID: 31521625, 36065636). ClinVar contains an entry for this variant (Variation ID: 619313). In summary, the currently available evidence indicates that the variant is pathogenic, but additional data are needed to prove that conclusively. Therefore, this variant has been classified as Likely Pathogenic.

Ambry Genetics
Classification: Pathogenic for Inborn genetic diseases. Last evaluated: 2025-05-05. Review status: criteria provided, single submitter. Criteria: Ambry Variant Classification Scheme 2023. Collection method: clinical testing. Allele origin: germline.
Comment: The c.3483-4_3497del19 variant results from a deletion of 19 nucleotides between positions c.3483-4 and c.3497 and involves the canonical splice acceptor site before exon 22 (coding exon 21) of the POLG gene. Alterations that disrupt the canonical splice site are expected to result in aberrant splicing. A resulting transcript is predicted to be in-frame and is not expected to trigger nonsense-mediated mRNAdecay, although direct evidence is unavailable. However, the region predicted to be impacted is critical for protein function (Ambry internal data). for autosomal recessive POLG-related mitochondrial disorders; however, its clinical significance for autosomal dominant POLG-related progressive external ophthalmoplegia is uncertain. Based on data from gnomAD, the deleted allele has an overall frequency of 0.0003977% (1/251452) total alleles studied. The highest observed frequency was 0.0008792% (1/113746) of non-Finnish European alleles. This variant has been identified in the homozygous state and/or in conjunction with other POLG variant(s) in individual(s) with features consistent with autosomal recessive POLG-related mitochondrial disorders; in at least one instance, the variants were identified in trans (Kumar, 2022; Shukla, 2024). The splice acceptor nucleotide positions are highly conserved in available vertebrate species. In silico splice site analysis predicts that this alteration will weaken the native splice acceptor site and may result in the creation or strengthening of a novel splice acceptor site. Based on the available evidence, this alteration is classified as pathogenic.

Baylor Genetics
Classification: Pathogenic for Progressive sclerosing poliodystrophy. Last evaluated: 2024-03-25. Review status: criteria provided, single submitter. Criteria: ACMG Guidelines, 2015. Collection method: clinical testing. Allele origin: unknown.

PreventionGenetics, part of Exact Sciences
Classification: Pathogenic for POLG-related condition. Last evaluated: 2023-03-21. Review status: criteria provided, single submitter. Criteria: ACMG Guidelines, 2015. Collection method: clinical testing. Allele origin: germline.
Comment: The POLG c.3483-4_3497del19 variant is predicted to result in a deletion affecting a canonical splice site. This variant was previously reported in an individual with progressive external ophthalmoplegia; this individual also harbored potentially causative variants in the mitochondrial genome (Heighton et al. 2019. PubMed ID: 31521625, supplementary data). This variant was also described in the compound heterozygous state in an infant with stroke (Kumar et al. 2022. PubMed ID: 36065636). This variant is reported in 0.00088% of alleles in individuals of European (Non-Finnish) descent in gnomAD. This variant is interpreted as pathogenic.

Wong Mito Lab, Molecular and Human Genetics, Baylor College of Medicine
Classification: Pathogenic for Progressive sclerosing poliodystrophy. Last evaluated: 2018-10-01. Review status: criteria provided, single submitter. Criteria: ACMG Guidelines, 2015. Collection method: clinical testing. Allele origin: germline.
Comment: The NM_002693.2:c.3483-4_3497del () [GRCH38: NC_000015.10:g.89317522_89317540del] variant in POLG gene is interpretated to be a Pathogenic based on ACMG guidelines (PMID: 25741868). This variant meets the following evidence codes reported in the ACMG-guideline. PVS1:This variant is a predicted null variant in POLG where loss of function is a known mechanism of disease. PM2:This variant is absent in key population databases. PM3:Detected in trans with a pathogenic variant for Mitochondrial DNA depletion syndrome 4A (Alpers type) which is a recessive disorder. PM4:This variant causes alteration in the length of expressed protein. PP1:This variant is co-segregated with Mitochondrial DNA depletion syndrome 4A (Alpers type) in multiple affected family members. PP4:Patient's phenotype or family history is highly specific for POLG. Based on the evidence criteria codes applied, the variant is suggested to be Pathogenic.

Literature cited by the submitters: PubMed 16199547 (cited by Labcorp Genetics (formerly Invitae), Labcorp); PubMed 18546365 (cited by Labcorp Genetics (formerly Invitae), Labcorp); PubMed 31521625 (cited by Labcorp Genetics (formerly Invitae), Labcorp); PubMed 36065636 (cited by Labcorp Genetics (formerly Invitae), Labcorp and Ambry Genetics); PubMed 39415767 (cited by Ambry Genetics).